The following is an entry in ClinVar:

ClinVar aggregate classification (germline): Uncertain significance (1 of 4 stars; one submission).

Conditions:
Wilson disease (WND). Also called: Wilson's disease. Identifiers: Orphanet 905, MedGen C0019202, MONDO:0010200, OMIM 277900. Disease mechanism: loss of function.

Submission:

All of Us Research Program, National Institutes of Health
Classification: Uncertain significance for Wilson disease. Last evaluated: 2023-11-20. Review status: criteria provided, single submitter. Criteria: ACMG Guidelines, 2015. Collection method: clinical testing. Allele origin: germline. Inheritance: Autosomal recessive inheritance. Observed: 1 variant allele, 1 heterozygote.
Comment: This variant causes an in-frame duplication of two amino acids in the ATP7B protein. To our knowledge, functional studies have not been reported for this variant. This variant has not been reported in individuals affected with Wilson disease in the literature. This variant has not been identified in the general population by the Genome Aggregation Database (gnomAD). The available evidence is insufficient to determine the role of this variant in disease conclusively. Therefore, this variant is classified as a Variant of Uncertain Significance.

This study involves interpretation of variants in research participants for the purpose of population health screening. Participant phenotype was not available at the time of variant classification. Additional details can be found in publication PMID: 35346344, PMCID: PMC8962531

NM_000053.4(ATP7B):c.3842_3847dup (p.Val1282_Ala1283insGlyVal)

Gene: ATP7B (ATPase copper transporting beta; minus strand). Cytogenetic location: 13q14.3.
Variant type: Duplication.
Coding change: c.3842_3847dup on transcript NM_000053.4 (MANE Select); coding-DNA positions 3842 to 3847, 6 bases duplicated (GTGTGG; older notation c.3842_3847dupGTGTGG).
Protein change: p.Val1282_Ala1283insGlyVal.
Molecular consequence: inframe insertion. On other transcripts: intron variant (1).
Genome position (GRCh38, 1-based): chr13:51,937,532-51,937,537, CCACAC duplicated on the plus strand (GTGTGG on the coding strand, the reverse complement: ATP7B is on the minus strand); duplicating any 6 consecutive bases within chr13:51,937,532-51,937,540 gives the same sequence; the c. name uses the placement nearest the transcript's 3' end. VCF-style (leftmost placement, unchanged base first): chr13-51937531-G-GCCACAC. GRCh37 (hg19) VCF-style: chr13-52511667-G-GCCACAC.
Other names: c.3788_3793dup, p.Val1264_Ala1265insGlyVal (NM_001406515.1, NM_001406516.1); c.3746_3751dup, p.Val1250_Ala1251insGlyVal (NM_001406517.1, NM_001406518.1); c.3707_3712dup, p.Val1237_Ala1238insGlyVal (NM_001406519.1); c.3698_3703dup, p.Val1234_Ala1235insGlyVal (NM_001406520.1, NM_001406521.1, NM_001406522.1); c.3659_3664dup, p.Val1221_Ala1222insGlyVal (NM_001406523.1); c.3665_3670dup, p.Val1223_Ala1224insGlyVal (NM_001406524.1); c.3647_3652dup, p.Val1217_Ala1218insGlyVal (NM_001406525.1); c.3608_3613dup, p.Val1204_Ala1205insGlyVal (NM_001406527.1, NM_001406528.1, NM_001330578.2); and 21 more.
Identifiers: ClinVar variation 3074440 (VCV003074440.1), dbSNP rs2547567545, ClinGen allele CA2825002198.